The following is an entry in ClinVar:

NM_130466.4(UBE3B):c.1741+2T>C

Gene: UBE3B (ubiquitin protein ligase E3B; plus strand). Cytogenetic location: 12q24.11.
Variant type: single nucleotide variant.
Coding change: c.1741+2T>C on transcript NM_130466.4 (MANE Select); the canonical splice donor site of the intron after coding-DNA position 1741, T replaced by C.
Molecular consequence: splice donor variant.
Genome position (GRCh38, 1-based): chr12:109,509,716, T>C. VCF-style: chr12-109509716-T-C. GRCh37 (hg19) VCF-style: chr12-109947521-T-C.
Other names: IVS15DS, T-C, +2; c.1741+2T>C (NM_183415.3).
Identifiers: ClinVar variation 50234 (VCV000050234.2), dbSNP rs398123020, ClinGen allele CA143716.

ClinVar aggregate classification (germline): Pathogenic. Review status: criteria provided, single submitter (1 of 4 stars). 2 submissions from 2 submitters: Pathogenic (1). 1 of the submissions does not count toward it. Last evaluated 2024-11-18.

Conditions:
Oculocerebrofacial syndrome, Kaufman type. Also called: Blepharophimosis-ptosis-intellectual disability syndrome. Identifiers: Orphanet 2707, MedGen C1855663, MONDO:0009485, OMIM 244450.

Allele frequency attached by ClinVar (database versions not stated): gnomAD exomes below 0.00001.
gnomAD v4.1: 1 of 1,594,666 alleles (0.000063%); highest among the groups gnomAD compares: Non-Finnish European, 0.000085%; no homozygotes.

Submissions (2):

3billion
Classification: Pathogenic for Oculocerebrofacial syndrome, Kaufman type. Last evaluated: 2024-11-18. Review status: criteria provided, single submitter. Criteria: ACMG Guidelines, 2015. Collection method: clinical testing. Allele origin: germline. Affected: yes.
Comment: The variant is observed at an extremely low frequency in the gnomAD v4.1.0 dataset (total allele frequency: <0.001%). Predicted Consequence/Location: Canonical splice site: predicted to alter splicing and result in a loss or disruption of normal protein function. Multiple pathogenic loss-of-function variants are reported downstream of the variant. In silico tools predict the variant to alter splicing and produce an abnormal transcript [SpliceAI: 0.97 (spliceogenicity >=0.2, non-spliceogenicity <0.1)]. The variant has been reported to be associated with UBE3B related disorder (ClinVar ID: VCV000050234 /PMID: 23200864). Therefore, this variant is classified as Pathogenic according to the recommendation of ACMG/AMP guideline.

OMIM
Classification: Pathogenic for KAUFMAN OCULOCEREBROFACIAL SYNDROME. Last evaluated: 2012-12-07. Review status: no assertion criteria provided. Collection method: literature only. Allele origin: germline. Not counted in ClinVar's aggregate classification.

Literature cited by the submitters: PubMed 23200864 (cited by 3billion and OMIM).